The following is an entry in ClinVar:

ClinVar aggregate classification (germline): Uncertain significance. Review status: criteria provided, multiple submitters, no conflicts (2 of 4 stars). 3 submissions from 3 submitters: Uncertain significance (3). Last evaluated 2026-07-11.

Conditions:
FH-related disorder. Also called: FH-related condition; FH-related disorders.
Hereditary cancer-predisposing syndrome. Also called: Tumor predisposition; Hereditary neoplastic syndrome; Hereditary Cancer Syndrome; Neoplastic Syndromes, Hereditary. Identifiers: Orphanet 140162, MedGen C0027672, MeSH D009386, MONDO:0015356.

Allele frequency attached by ClinVar (database versions not stated): TOPMed 0.00001.

Submissions (3):

PreventionGenetics, part of Exact Sciences
Classification: Uncertain significance for FH-related condition. Last evaluated: 2026-07-11. Review status: criteria provided, single submitter. Criteria: ACMG Guidelines, 2015. Collection method: clinical testing. Allele origin: germline.
Comment: The FH c.904G>C variant is predicted to result in the amino acid substitution p.Gly302Arg. This variant is located at the last base of an exon, and is predicted to alter splicing based on available splicing prediction programs (SpliceAI, Jaganathan et al. 2019. PubMed ID: 30661751). To our knowledge, this variant has not been reported in the literature or in a large population database (gnomAD), indicating this variant is rare. This variant is interpreted as uncertain in ClinVar (Variation ID: 1765602). At this time, the clinical significance of this variant is uncertain due to the absence of conclusive functional and genetic evidence.

Labcorp Genetics (formerly Invitae), Labcorp
Classification: Uncertain significance. Last evaluated: 2024-12-24. Review status: criteria provided, single submitter. Criteria: Invitae Variant Classification Sherloc (09022015). Collection method: clinical testing. Allele origin: germline.
Comment: This sequence change replaces glycine, which is neutral and non-polar, with arginine, which is basic and polar, at codon 302 of the FH protein (p.Gly302Arg). This variant also falls at the last nucleotide of exon 6, which is part of the consensus splice site for this exon. This variant is not present in population databases (gnomAD no frequency). This variant has not been reported in the literature in individuals affected with FH-related conditions. ClinVar contains an entry for this variant (Variation ID: 1765602). An algorithm developed to predict the effect of missense changes on protein structure and function (PolyPhen-2) suggests that this variant is likely to be tolerated. Variants that disrupt the consensus splice site are a relatively common cause of aberrant splicing (PMID: 17576681, 9536098). Algorithms developed to predict the effect of sequence changes on RNA splicing suggest that this variant may disrupt the consensus splice site. In summary, the available evidence is currently insufficient to determine the role of this variant in disease. Therefore, it has been classified as a Variant of Uncertain Significance.

Ambry Genetics
Classification: Uncertain significance for Hereditary cancer-predisposing syndrome. Last evaluated: 2024-12-11. Review status: criteria provided, single submitter. Criteria: Ambry Variant Classification Scheme 2023. Collection method: clinical testing. Allele origin: germline.
Comment: The c.904G>C variant (also known as p.G302R), located in coding exon 6 of the FH gene, results from a G to C substitution at nucleotide position 904. The amino acid change results in glycine to arginine at codon 302, an amino acid with dissimilar properties. However, this change occurs in the last base pair of coding exon 6, which makes it likely to have some effect on normal mRNA splicing. This nucleotide position is highly conserved in available vertebrate species. This amino acid position is highly conserved in available vertebrate species. In silico splice site analysis predicts that this alteration may result in the creation or strengthening of a novel splice donor site. RNA studies have demonstrated that this alteration does not result in abnormal splicing in the set of samples tested (Ambry internal data). In addition, as a missense alteration this is predicted to be deleterious by in silico analysis. Based on the available evidence, the clinical significance of this variant remains unclear.

Literature cited by the submitters: PubMed 17576681 (cited by Labcorp Genetics (formerly Invitae), Labcorp); PubMed 9536098 (cited by Labcorp Genetics (formerly Invitae), Labcorp).

NM_000143.4(FH):c.904G>C (p.Gly302Arg)

Gene: FH (fumarate hydratase; minus strand). Cytogenetic location: 1q43.
Variant type: single nucleotide variant.
Coding change: c.904G>C on transcript NM_000143.4 (MANE Select); coding-DNA position 904, G replaced by C.
Protein change: p.Gly302Arg; replaces glycine 302 with arginine.
Molecular consequence: missense variant.
Genome position (GRCh38, 1-based): chr1:241,506,003, C>G on the plus strand (G>C on the coding strand, the complement: FH is on the minus strand). VCF-style: chr1-241506003-C-G. GRCh37 (hg19) VCF-style: chr1-241669303-C-G.
Other names: short protein forms G302R.
Identifiers: ClinVar variation 1765602 (VCV001765602.9), dbSNP rs200412958, ClinGen allele CA345438758.